The following is an entry in ClinVar:

Single allele

Genes: ALDOA (aldolase, fructose-bisphosphate A; plus strand), ASPHD1 (aspartate beta-hydroxylase domain containing 1; plus strand), C16orf54 (chromosome 16 open reading frame 54; minus strand), CDIPT (CDP-diacylglycerol--inositol 3-phosphatidyltransferase; minus strand), CDIPTOSP (CDIP transferase opposite strand, pseudogene; plus strand) and 104 more. Cytogenetic location: 16p11.2.
Variant type: Deletion.
Identifiers: ClinVar variation 4849574 (VCV004849574.1).

ClinVar aggregate classification (germline): Likely pathogenic (1 of 4 stars; one submission).

Conditions:
Proximal 16p11.2 microdeletion syndrome. Also called: CHROMOSOME 16p11.2 DELETION SYNDROME, 593-KB; Chromosome 16p11.2 deletion syndrome; 16p11.2 Recurrent Deletion. Identifiers: Orphanet 261197, MedGen C3150154, MONDO:0012756, OMIM 611913.

Submission:

Service of Pediatric Gastrohepatology and Metabolic Diseases, University of Medicine of Tirana
Classification: Likely pathogenic for Proximal 16p11.2 microdeletion syndrome. Last evaluated: 2026-04-29. Review status: criteria provided, single submitter. Criteria: ACMG Guidelines, 2015. Collection method: clinical testing. Allele origin: germline. Inheritance: Autosomal dominant inheritance. Affected: yes. Observed: 1 variant allele.
Comment: The chr16:29569549-30189076 deletion was classified as Likely pathogenic using ACMG/ClinGen CNV/SV 2019 technical standards (PMID:31690835), with ACMG/AMP 2015 considered where applicable. The rationale includes overlap with a clinically relevant 16p11.2 deletion interval, dosage-sensitive gene content, event size, rarity, and concordance with the patient's phenotype/condition (OMIM:611913).